The following is an entry in ClinVar:

NM_004958.4(MTOR):c.7408A>C (p.Lys2470Gln)

Gene: MTOR (mechanistic target of rapamycin kinase; minus strand). Cytogenetic location: 1p36.22.
Variant type: single nucleotide variant.
Coding change: c.7408A>C on transcript NM_004958.4 (MANE Select); coding-DNA position 7408, A replaced by C.
Protein change: p.Lys2470Gln; replaces lysine 2470 with glutamine.
Molecular consequence: missense variant.
Genome position (GRCh38, 1-based): chr1:11,109,688, T>G on the plus strand (A>C on the coding strand, the complement: MTOR is on the minus strand). VCF-style: chr1-11109688-T-G. GRCh37 (hg19) VCF-style: chr1-11169745-T-G.
Other names: c.7408A>C, p.Lys2470Gln (NM_001386500.1); c.6160A>C, p.Lys2054Gln (NM_001386501.1); short protein forms K2470Q, K2054Q.
Identifiers: ClinVar variation 5000823 (VCV005000823.1).
Genomic context (GRCh38, chr1:11,109,688, plus strand): 5'-TTCCTCAGAGGCTGAACTTACTGAAAGAATGAATAGATTCTGGCACTGTGGTCCCCGTTT[T>G]CTTATGGGCTGGCTCTCCAAGTTCCACACCGTCCAAAATTTCTATGGGAAAAGAAATCAA-3'
Protein context (NP_004949.1, residues 2460-2480): GVELGEPAHK[Lys2470Gln]TGTTVPESIH

ClinVar aggregate classification (germline): Uncertain significance (1 of 4 stars; one submission).

Conditions:
MTOR-related disorder. Also called: MTOR-related condition.

Submission:

PreventionGenetics, part of Exact Sciences
Classification: Uncertain significance for MTOR-related condition. Last evaluated: 2026-06-17. Review status: criteria provided, single submitter. Criteria: ACMG Guidelines, 2015. Collection method: clinical testing. Allele origin: germline.
Comment: The MTOR c.7408A>C variant is predicted to result in the amino acid substitution p.Lys2470Gln. To our knowledge, this variant has not been reported in the literature or in a large population database (gnomAD), indicating this variant is rare. At this time, the clinical significance of this variant is uncertain due to the absence of conclusive functional and genetic evidence.